The following is an entry in ClinVar:

ClinVar aggregate classification (germline): Uncertain significance (1 of 4 stars; one submission).

Conditions:
Long QT syndrome (LQTS). Identifiers: MedGen C0023976, MeSH D008133, MONDO:0002442. Disease mechanism: loss of function. Inheritance: Various modes of inheritance.

Submission:

Labcorp Genetics (formerly Invitae), Labcorp
Classification: Uncertain significance for Long QT syndrome. Last evaluated: 2025-12-22. Review status: criteria provided, single submitter. Criteria: Invitae Variant Classification Sherloc (09022015). Collection method: clinical testing. Allele origin: germline.
Comment: This sequence change creates a premature translational stop signal (p.Thr482Serfs*2) in the AKAP9 gene. It is expected to result in an absent or disrupted protein product. However, the current clinical and genetic evidence is not sufficient to establish whether loss-of-function variants in AKAP9 cause disease. This variant is not present in population databases (gnomAD no frequency). This variant has not been reported in the literature in individuals affected with AKAP9-related conditions. In summary, the available evidence is currently insufficient to determine the role of this variant in disease. Therefore, it has been classified as a Variant of Uncertain Significance.

NM_005751.5(AKAP9):c.1445_1446del (p.Thr482fs)

Gene: AKAP9 (A-kinase anchoring protein 9; plus strand). Cytogenetic location: 7q21.2.
Variant type: Deletion.
Coding change: c.1445_1446del on transcript NM_005751.5 (MANE Select); coding-DNA positions 1445 to 1446, 2 bases deleted (CA; older notation c.1445_1446delCA).
Protein change: p.Thr482fs; shifts the reading frame from threonine 482.
Molecular consequence: frameshift variant.
Genome position (GRCh38, 1-based): chr7:92,001,362-92,001,363, CA deleted; deleting any 2 consecutive bases within chr7:92,001,361-92,001,363 gives the same sequence; the c. name uses the placement nearest the transcript's 3' end. VCF-style (leftmost placement, unchanged base first): chr7-92001360-TAC-T. GRCh37 (hg19) VCF-style: chr7-91630674-TAC-T.
Other names: c.1445_1446del, p.Thr482fs (NM_147185.3); short protein forms T482fs.
Identifiers: ClinVar variation 4760724 (VCV004760724.1).